The following is an entry in ClinVar:

NM_005529.7(HSPG2):c.4961G>T (p.Gly1654Val)

Gene: HSPG2 (heparan sulfate proteoglycan 2; minus strand). Cytogenetic location: 1p36.12.
Variant type: single nucleotide variant.
Coding change: c.4961G>T on transcript NM_005529.7 (MANE Select); coding-DNA position 4961, G replaced by T.
Protein change: p.Gly1654Val; replaces glycine 1654 with valine.
Molecular consequence: missense variant.
Genome position (GRCh38, 1-based): chr1:21,860,230, C>A on the plus strand (G>T on the coding strand, the complement: HSPG2 is on the minus strand). VCF-style: chr1-21860230-C-A. GRCh37 (hg19) VCF-style: chr1-22186723-C-A.
Other names: c.4964G>T, p.Gly1655Val (NM_001291860.2); short protein forms G1655V, G1654V.
Identifiers: ClinVar variation 4272758 (VCV004272758.2).
Genomic context (GRCh38, chr1:21,860,230, plus strand): 5'-CACTTACTCTCTGGCAGGCACTGGCCCCCTTGCACACTGGGGTTACCCACGTAACCTGGG[C>A]CACACCTGTAAGGGGGAACAAGGGCCGGCAATGTCAGGCCTCAAGGGCCCCAGTGCCTCA-3'
Protein context (NP_005520.4, residues 1644-1664): GYTGQYCEQC[Gly1654Val]PGYVGNPSVQ

ClinVar aggregate classification (germline): Uncertain significance. Review status: criteria provided, multiple submitters, no conflicts (2 of 4 stars). 2 submissions from 2 submitters: Uncertain significance (2). Last evaluated 2026-03-30.

Conditions:
Inborn genetic diseases. Identifiers: MedGen C0950123, MeSH D030342.

gnomAD v4.1: 3 of 1,613,306 alleles (0.00019%); highest among the groups gnomAD compares: Admixed American, 0.0033%; no homozygotes.

Submissions (2):

GeneDx
Classification: Uncertain significance. Last evaluated: 2026-03-30. Review status: criteria provided, single submitter. Criteria: GeneDx Variant Classification Process June 2021. Collection method: clinical testing. Allele origin: germline.
Comment: Not observed at significant frequency in large population cohorts (gnomAD); In silico analysis suggests that this missense variant does not alter protein structure/function; Has not been previously published as pathogenic or benign to our knowledge

Ambry Genetics
Classification: Uncertain significance for Inborn genetic diseases. Last evaluated: 2025-09-01. Review status: criteria provided, single submitter. Criteria: Ambry Variant Classification Scheme 2023. Collection method: clinical testing. Allele origin: germline.